The following is an entry in ClinVar:

NM_052925.4(LENG8):c.1890C>T (p.Ile630=)

Gene: LENG8 (leukocyte receptor cluster member 8; plus strand). Cytogenetic location: 19q13.42.
Variant type: single nucleotide variant.
Coding change: c.1890C>T on transcript NM_052925.4 (MANE Select); coding-DNA position 1890, C replaced by T.
Protein change: p.Ile630=; no amino-acid change (isoleucine 630 retained).
Molecular consequence: synonymous variant.
Genome position (GRCh38, 1-based): chr19:54,457,990, C>T. VCF-style: chr19-54457990-C-T. GRCh37 (hg19) VCF-style: chr19-54969169-C-T.
Other names: c.1890C>T, p.Ile630= (NM_001375638.1, NM_001375640.1, NM_001375641.1); c.1836C>T, p.Ile612= (NM_001375639.1); c.1779C>T, p.Ile593= (NM_001411063.1).
Identifiers: ClinVar variation 3037782 (VCV003037782.2), dbSNP rs79561966, ClinGen allele CA309660451.

ClinVar aggregate classification (germline): Benign (0 of 4 stars; one submission).

Conditions:
LENG8-related disorder. Also called: LENG8-related condition.

Allele frequency attached by ClinVar (database versions not stated): TOPMed 0.00880; ESP Exome Variant Server 0.00923; 1000 Genomes Project 30x 0.01499; 1000 Genomes Project 0.01637.
gnomAD v4.1: 23,256 of 1,613,640 alleles (1.4%); highest among the groups gnomAD compares: South Asian, 4.6%; 279 homozygotes.

Submission:

PreventionGenetics, part of Exact Sciences
Classification: Benign for LENG8-related condition. Last evaluated: 2019-03-14. Review status: no assertion criteria provided. Collection method: clinical testing. Allele origin: germline.
Comment: This variant is classified as benign based on ACMG/AMP sequence variant interpretation guidelines (Richards et al. 2015 PMID: 25741868, with internal and published modifications).